The following is an entry in ClinVar:

ClinVar aggregate classification (germline): Uncertain significance. Review status: criteria provided, multiple submitters, no conflicts (2 of 4 stars). 4 submissions from 4 submitters: Uncertain significance (4). Last evaluated 2024-07-16.

Conditions:
Malignant hyperthermia, susceptibility to, 1 (MHS1). Also called: RYR1-Related Malignant Hyperthermia Susceptibility; Anesthesia related hyperthermia; Malignant hyperpyrexia; Fulminating hyperpyrexia; Pharmacogenic myopathy; Malignant hyperthermia suceptibility 1. Identifiers: Orphanet 423, MedGen C2930980, MONDO:0007783, OMIM 145600.
RYR1-related disorder. Also called: RYR1-related condition; RYR1-related disorders. Identifiers: MedGen CN239331.

Allele frequency attached by ClinVar (database versions not stated): TOPMed below 0.00001; gnomAD 0.00001; gnomAD exomes 0.00001.
gnomAD v4.1: 12 of 1,585,964 alleles (0.00076%); highest among the groups gnomAD compares: Middle Eastern, 0.017%; no homozygotes.

Submissions (4):

GeneDx
Classification: Uncertain significance. Last evaluated: 2024-07-16. Review status: criteria provided, single submitter. Criteria: GeneDx Variant Classification Process June 2021. Collection method: clinical testing. Allele origin: germline. Affected: yes.
Comment: Not observed at significant frequency in large population cohorts (gnomAD); In silico analysis supports that this missense variant has a deleterious effect on protein structure/function; In silico analysis suggests this variant may impact gene splicing. In the absence of RNA/functional studies, the actual effect of this sequence change is unknown.; This variant is associated with the following publications: (PMID: 37273706)

Labcorp Genetics (formerly Invitae), Labcorp
Classification: Uncertain significance for RYR1-related disorder. Last evaluated: 2024-04-24. Review status: criteria provided, single submitter. Criteria: Invitae Variant Classification Sherloc (09022015). Collection method: clinical testing. Allele origin: germline.
Comment: This sequence change replaces arginine, which is basic and polar, with glutamine, which is neutral and polar, at codon 3227 of the RYR1 protein (p.Arg3227Gln). The frequency data for this variant in the population databases is considered unreliable, as metrics indicate poor data quality at this position in the gnomAD database. This variant has not been reported in the literature in individuals affected with RYR1-related conditions. ClinVar contains an entry for this variant (Variation ID: 544436). Advanced modeling of protein sequence and biophysical properties (such as structural, functional, and spatial information, amino acid conservation, physicochemical variation, residue mobility, and thermodynamic stability) has been performed at Invitae for this missense variant, however the output from this modeling did not meet the statistical confidence thresholds required to predict the impact of this variant on RYR1 protein function. In summary, the available evidence is currently insufficient to determine the role of this variant in disease. Therefore, it has been classified as a Variant of Uncertain Significance.

All of Us Research Program, National Institutes of Health
Classification: Uncertain significance for Malignant hyperthermia, susceptibility to, 1. Last evaluated: 2023-05-31. Review status: criteria provided, single submitter. Criteria: ACMG Guidelines, 2015. Collection method: clinical testing. Allele origin: germline. Inheritance: Autosomal dominant inheritance. Observed: 1 variant allele, 1 heterozygote.
Comment: This study involves interpretation of variants in research participants for the purpose of population health screening. Participant phenotype was not available at the time of variant classification. Additional details can be found in publication PMID: 35346344, PMCID: PMC8962531

Mayo Clinic Laboratories, Mayo Clinic
Classification: Uncertain significance. Last evaluated: 2021-08-11. Review status: criteria provided, single submitter. Criteria: ACMG Guidelines, 2015. Collection method: clinical testing. Allele origin: germline.

NM_000540.3(RYR1):c.9680G>A (p.Arg3227Gln)

Gene: RYR1 (ryanodine receptor 1; plus strand). Cytogenetic location: 19q13.2.
Variant type: single nucleotide variant.
Coding change: c.9680G>A on transcript NM_000540.3 (MANE Select); coding-DNA position 9680, G replaced by A.
Protein change: p.Arg3227Gln; replaces arginine 3227 with glutamine.
Molecular consequence: missense variant.
Genome position (GRCh38, 1-based): chr19:38,516,212, G>A. VCF-style: chr19-38516212-G-A. GRCh37 (hg19) VCF-style: chr19-39006852-G-A.
Other names: p.Arg3227Gln; c.9680G>A, p.Arg3227Gln (NM_001042723.2); short protein forms R3227Q.
Identifiers: ClinVar variation 544436 (VCV000544436.14), dbSNP rs878984852, ClinGen allele CA308129057.